The following is an entry in ClinVar:

NM_001377142.1(PLCB4):c.1124A>G (p.His375Arg)

Gene: PLCB4 (phospholipase C beta 4; plus strand). Cytogenetic location: 20p12.2.
Variant type: single nucleotide variant.
Coding change: c.1124A>G on transcript NM_001377142.1 (MANE Select); coding-DNA position 1124, A replaced by G.
Protein change: p.His375Arg; replaces histidine 375 with arginine.
Molecular consequence: missense variant.
Genome position (GRCh38, 1-based): chr20:9,387,522, A>G. VCF-style: chr20-9387522-A-G. GRCh37 (hg19) VCF-style: chr20-9368169-A-G.
Other names: c.1124A>G, p.His375Arg (NM_000933.4, NM_001172646.2, NM_001377134.2 and 4 more transcripts); short protein forms H375R.
Identifiers: ClinVar variation 1030923 (VCV001030923.1), dbSNP rs2037778050, ClinGen allele CA408217512.

ClinVar aggregate classification (germline): Likely pathogenic (1 of 4 stars; one submission).

Conditions:
Auriculocondylar syndrome 2 (ARCND2A). Also called: AURICULOCONDYLAR SYNDROME 2A. Identifiers: Orphanet 137888, MedGen C3553404, MONDO:0013845, OMIM 614669.

Submission:

Baylor Genetics
Classification: Likely pathogenic for Auriculocondylar syndrome 2. Last evaluated: 2019-01-16. Review status: criteria provided, single submitter. Criteria: ACMG Guidelines, 2015. Collection method: clinical testing. Allele origin: de novo. Affected: yes.
Comment: This variant was determined to be likely pathogenic according to ACMG Guidelines, 2015 [PMID:25741868].